The following continues an entry in ClinVar:

NM_001360.3(DHCR7):c.724C>T (p.Arg242Cys)

Gene: DHCR7. ClinVar aggregate classification (germline): Pathogenic/Likely pathogenic. Pathogenic (15); Likely pathogenic (2).

Submissions 11 to 18 of 18:

Myriad Genetics, Inc.
Classification: Likely pathogenic for Smith-Lemli-Opitz syndrome. Last evaluated: 2019-12-04. Review status: criteria provided, single submitter. Criteria: Myriad Women's Health Autosomal Recessive and X-Linked Classification Criteria (2019). Collection method: clinical testing. Allele origin: unknown.
Comment: NM_001360.2(DHCR7):c.724C>T(R242C) is classified as likely pathogenic in the context of Smith-Lemli-Opitz syndrome. Sources cited for classification include the following: PMID 10677299, 15954111, 10995508, 18076100, 10405455, and 16983147. Classification of NM_001360.2(DHCR7):c.724C>T(R242C) is based on the following criteria: This variant has been observed more frequently in patients with clinical diagnoses than in healthy populations. Please note: this variant was assessed in the context of healthy population screening.

Revvity Omics, Revvity
Classification: Pathogenic for Smith-Lemli-Opitz syndrome. Last evaluated: 2019-09-06. Review status: criteria provided, single submitter. Criteria: ACMG Guidelines, 2015. Collection method: clinical testing. Allele origin: germline.

Fulgent Genetics
Classification: Pathogenic for Smith-Lemli-Opitz syndrome. Last evaluated: 2018-10-31. Review status: criteria provided, single submitter. Criteria: ACMG Guidelines, 2015. Collection method: clinical testing. Allele origin: unknown.

Illumina Laboratory Services, Illumina
Classification: Pathogenic for Smith-Lemli-Opitz syndrome. Last evaluated: 2017-04-27. Review status: criteria provided, single submitter. Criteria: ICSL Variant Classification Criteria 09 May 2019. Collection method: clinical testing. Allele origin: germline.
Comment: Across a selection of available literature, the DHCR7 c.724C>T (p.Arg242Cys) missense variant has been identified in a compound heterozygous state in at least six individuals with Smith-Lemli-Opitz syndrome and in two additional patients with unknown zygosity (Neklason et al. 1999; Krakowiak et al. 2000; Witsch-Baumgartner et al. 2000; Waye et al. 2005; Tucci et al. 2016). In a review, Boland et al. (2016) report that the p.Arg242Cys variant was found in 12 out of 1037 (1.2%) patient alleles across 30 studies. The p.Arg242Cys variant was absent from 50 controls and is reported at a frequency of 0.00029 in the African population of the Exome Aggregation. Functional studies demonstrated that the enzymatic activity in fibroblasts derived from a patient who was compound heterozygous for the p.Arg242Cys variant and another missense variant was significantly reduced (Ginat et al. 2004). Based on the evidence, the p.Arg242Cys variant is classified as pathogenic for Smith-Lemli-Opitz syndrome. This variant was observed by ICSL as part of a predisposition screen in an ostensibly healthy population.

Women's Health and Genetics/Laboratory Corporation of America, LabCorp
Classification: Pathogenic for Smith-Lemli-Opitz syndrome. Last evaluated: 2016-08-04. Review status: criteria provided, single submitter. Criteria: LabCorp Variant Classification Summary - May 2015. Collection method: clinical testing. Allele origin: germline.
Comment: Variant summary: The DHCR7 c.724C>T (p.Arg242Cys) variant located in the transmembrane domain causes a missense change involving a conserved nucleotide with 5/5 in silico tools predicting a damaging outcome. The variant of interest was observed in the large, broad control population, ExAC, with an allele frequency of 10/121036 (1/12106), which does not exceed the maximal expected allele frequency for a pathogenic DHCR7 variant of 1/230. The variant of interest has been reported in multiple affected individuals via publications. In addition, GeneReviews cites the variant as "pathogenic." Therefore, the variant of interest has been classified as Pathogenic.

Laboratory for Molecular Medicine, Mass General Brigham Personalized Medicine
Classification: Likely pathogenic for Smith-Lemli-Opitz syndrome. Last evaluated: 2015-09-11. Review status: criteria provided, single submitter. Criteria: LMM Criteria. Collection method: clinical testing. Allele origin: germline. Inheritance: Autosomal recessive inheritance. Observed: 4 variant alleles.
Comment: The p.Arg242Cys (NM_000060.2 c.724C>T) variant in DHCR7 has been reported in at least 6 individuals with clinical features of Smith-Lemli-Opitz syndrome who wer e compound heterozygotes for a second DHCR7 variant, and segregated with disease in one affected family member (Neklason 1999, Krakowiak 2000, Waye 2002, Correa -Cerro 2005, Waye 2005, Tucci 2016). This variant has also been identified in 19 /126,670 of European chromosomes by the Genome Aggregation Database (gnomAD; dbSNP rs80338856). Although this variant has been seen in the general population, its frequency is low enough to be consistent wi th a recessive carrier frequency. In vitro functional studies provide some evide nce that the p.Arg242Cys variant may impact protein function (Neklason 1999). In summary, although additional studies are required to fully establish its clinic al significance, the p.Arg242Cys variant is likely pathogenic for Smith-Lemli-Op itz syndrome in an autosomal recessive manner based on its occurrence in affecte d individuals, low frequency in controls, and functional data.

Eurofins Ntd Llc (ga)
Classification: Pathogenic. Last evaluated: 2015-09-08. Review status: criteria provided, single submitter. Criteria: EGL Classification Definitions 2015. Collection method: clinical testing. Allele origin: germline. Observed: 1 variant allele, 1 heterozygote.

GeneReviews
No classification provided. Condition: Smith-Lemli-Opitz syndrome. Review status: no classification provided. Collection method: literature only. Allele origin: unknown. Not counted in ClinVar's aggregate classification.

Literature cited by the submitters: PubMed 10405455 (cited by 6 submitters); PubMed 10677299 (cited by 6 submitters); PubMed 10995508 (cited by 6 submitters); PubMed 15464432 (cited by 4 submitters); PubMed 15954111 (cited by 6 submitters); PubMed 26969503 (cited by 6 submitters); PubMed 11427181 (cited by Labcorp Genetics (formerly Invitae), Labcorp); PubMed 12818773 (cited by Labcorp Genetics (formerly Invitae), Labcorp); PubMed 15776424 (cited by Labcorp Genetics (formerly Invitae), Labcorp); PubMed 16044199 (cited by Labcorp Genetics (formerly Invitae), Labcorp); PubMed 15896653 (cited by Natera, Inc.); PubMed 24500076 (cited by Natera, Inc.); PubMed 11175299 (cited by 3 submitters); PubMed 12070263 (cited by 4 submitters); PubMed 15670717 (cited by Mayo Clinic Laboratories, Mayo Clinic and Laboratory for Molecular Medicine, Mass General Brigham Personalized Medicine); PubMed 16207203 (cited by 3 submitters); PubMed 16983147 (cited by Mayo Clinic Laboratories, Mayo Clinic and Myriad Genetics, Inc.); PubMed 18076100 (cited by Mayo Clinic Laboratories, Mayo Clinic and Myriad Genetics, Inc.); PubMed 27401223 (cited by Mayo Clinic Laboratories, Mayo Clinic and Illumina Laboratory Services, Illumina); PubMed 28250423 (cited by Ambry Genetics); PubMed 20301322 (cited by GeneReviews); NCBI Bookshelf NBK1143 (cited by GeneReviews).